The following is an entry in ClinVar:

ClinVar aggregate classification (germline): Pathogenic (1 of 4 stars; one submission).

Submission:

Baylor Genetics
Classification: Pathogenic. Last evaluated: 2018-11-01. Review status: criteria provided, single submitter. Criteria: ACMG CNV Guidelines, 2011. Collection method: clinical testing. Allele origin: germline. Affected: yes. Observed: 1 variant allele.
Comment: Duplications involving this region have been previously reported in patients with developmental delay/intellectual disability, facial dysmorphisms, and seizures [PMID 22241097]

GRCh37/hg19 17q11.2(chr17:29111368-30183819)

Genes: ADAP2 (ArfGAP with dual PH domains 2; plus strand), ATAD5 (ATPase family AAA domain containing 5; plus strand), COPRS (coordinator of PRMT5 and differentiation stimulator; minus strand), CRLF3 (cytokine receptor like factor 3; minus strand), EVI2A (ecotropic viral integration site 2A; minus strand) and 7 more. Cytogenetic location: 17q11.2.
Variant type: copy number gain.
Identifiers: ClinVar variation 625731 (VCV000625731.1).